The following is an entry in ClinVar:

ClinVar aggregate classification (germline): Uncertain significance. Review status: criteria provided, multiple submitters, no conflicts (2 of 4 stars). 2 submissions from 2 submitters: Uncertain significance (2). Last evaluated 2025-11-12.

Conditions:
Autosomal dominant Parkinson disease 8. Also called: LRRK2-Related Parkinson Disease; Parkinson disease 8; Parkinson disease 8, susceptibility to. Identifiers: Orphanet 411602, MedGen C1846862, MONDO:0011764, OMIM 607060.
Inborn genetic diseases. Identifiers: MedGen C0950123, MeSH D030342.

Allele frequency attached by ClinVar (database versions not stated): gnomAD 0.00001; TOPMed 0.00001; ExAC 0.00002.
gnomAD v4.1: 10 of 1,613,512 alleles (0.00062%); highest among the groups gnomAD compares: East Asian, 0.0022%; no homozygotes.

Submissions (2):

Labcorp Genetics (formerly Invitae), Labcorp
Classification: Uncertain significance for Autosomal dominant Parkinson disease 8. Last evaluated: 2025-11-12. Review status: criteria provided, single submitter. Criteria: Invitae Variant Classification Sherloc (09022015). Collection method: clinical testing. Allele origin: germline.
Comment: This sequence change replaces arginine, which is basic and polar, with glutamine, which is neutral and polar, at codon 1895 of the LRRK2 protein (p.Arg1895Gln). This variant is present in population databases (rs774140537, gnomAD 0.002%). This variant has not been reported in the literature in individuals affected with LRRK2-related conditions. ClinVar contains an entry for this variant (Variation ID: 1516242). An algorithm developed to predict the effect of missense changes on protein structure and function outputs the following: PolyPhen-2: "Possibly Damaging". The glutamine amino acid residue is found in multiple mammalian species, which suggests that this missense change does not adversely affect protein function. In summary, the available evidence is currently insufficient to determine the role of this variant in disease. Therefore, it has been classified as a Variant of Uncertain Significance.

Ambry Genetics
Classification: Uncertain significance for Inborn genetic diseases. Last evaluated: 2023-09-06. Review status: criteria provided, single submitter. Criteria: Ambry Variant Classification Scheme 2023. Collection method: clinical testing. Allele origin: germline.
Comment: The p.R1895Q variant (also known as c.5684G>A), located in coding exon 39 of the LRRK2 gene, results from a G to A substitution at nucleotide position 5684. The arginine at codon 1895 is replaced by glutamine, an amino acid with highly similar properties. This amino acid position is conserved. In addition, this alteration is predicted to be deleterious by in silico analysis. Since supporting evidence is limited at this time, the clinical significance of this alteration remains unclear.

NM_198578.4(LRRK2):c.5684G>A (p.Arg1895Gln)

Gene: LRRK2 (leucine rich repeat kinase 2; plus strand). Cytogenetic location: 12q12.
Variant type: single nucleotide variant.
Coding change: c.5684G>A on transcript NM_198578.4 (MANE Select); coding-DNA position 5684, G replaced by A.
Protein change: p.Arg1895Gln; replaces arginine 1895 with glutamine.
Molecular consequence: missense variant.
Genome position (GRCh38, 1-based): chr12:40,328,387, G>A. VCF-style: chr12-40328387-G-A. GRCh37 (hg19) VCF-style: chr12-40722189-G-A.
Other names: short protein forms R1895Q.
Identifiers: ClinVar variation 1516242 (VCV001516242.8), dbSNP rs774140537, ClinGen allele CA6514514.